The following is an entry in ClinVar:

ClinVar aggregate classification (germline): Pathogenic. Review status: criteria provided, multiple submitters, no conflicts (2 of 4 stars). 3 submissions from 3 submitters: Pathogenic (3). Last evaluated 2026-08-10.

Conditions:
Hereditary cancer-predisposing syndrome. Also called: Hereditary Cancer Syndrome; Hereditary neoplastic syndrome; Neoplastic Syndromes, Hereditary; Tumor predisposition. Identifiers: Orphanet 140162, MedGen C0027672, MeSH D009386, MONDO:0015356.
Familial cancer of breast. Also called: BREAST CANCER, FAMILIAL; Hereditary breast cancer; hereditary breast carcinoma. Identifiers: Orphanet 227535, MedGen C0346153, MONDO:0016419, OMIM 114480. Disease mechanism: loss of function.

Allele frequency attached by ClinVar (database versions not stated): gnomAD exomes below 0.00001; ExAC 0.00001.
gnomAD v4.1: 2 of 1,613,688 alleles (0.00012%); highest among the groups gnomAD compares: Non-Finnish European, 0.00017%; no homozygotes.

Submissions (3):

Myriad Genetics, Inc.
Classification: Pathogenic for Familial cancer of breast. Last evaluated: 2026-08-10. Review status: criteria provided, single submitter. Criteria: Myriad Autosomal Dominant, Autosomal Recessive and X-Linked Classification Criteria (2023). Collection method: clinical testing. Allele origin: unknown.
Comment: This variant is considered pathogenic. This variant creates a termination codon and is predicted to result in premature protein truncation.

Labcorp Genetics (formerly Invitae), Labcorp
Classification: Pathogenic for Familial cancer of breast. Last evaluated: 2024-09-02. Review status: criteria provided, single submitter. Criteria: Invitae Variant Classification Sherloc (09022015). Collection method: clinical testing. Allele origin: germline.
Comment: This sequence change creates a premature translational stop signal (p.Gln176*) in the BARD1 gene. It is expected to result in an absent or disrupted protein product. Loss-of-function variants in BARD1 are known to be pathogenic (PMID: 20077502, 21344236). This variant is not present in population databases (gnomAD no frequency). This variant has not been reported in the literature in individuals affected with BARD1-related conditions. ClinVar contains an entry for this variant (Variation ID: 406761). Algorithms developed to predict the effect of sequence changes on RNA splicing suggest that this variant may create or strengthen a splice site. For these reasons, this variant has been classified as Pathogenic.

Ambry Genetics
Classification: Pathogenic for Hereditary cancer-predisposing syndrome. Last evaluated: 2022-10-27. Review status: criteria provided, single submitter. Criteria: Ambry Variant Classification Scheme 2023. Collection method: clinical testing. Allele origin: germline.
Comment: The p.Q176* pathogenic mutation (also known as c.526C>T), located in coding exon 4 of the BARD1 gene, results from a C to T substitution at nucleotide position 526. This changes the amino acid from a glutamine to a stop codon within coding exon 4. This alteration was identified in 1 of 831 breast cancer cases and 0 of 839 controls within a Chinese cohort (Zeng C et al. Breast Cancer Res Treat, 2020 Jun;181:465-473). This variant is considered to be rare based on population cohorts in the Genome Aggregation Database (gnomAD). In addition to the clinical data presented in the literature, this alteration is expected to result in loss of function by premature protein truncation or nonsense-mediated mRNA decay. As such, this alteration is interpreted as a disease-causing mutation.

Literature cited by the submitters: PubMed 20077502 (cited by Labcorp Genetics (formerly Invitae), Labcorp); PubMed 21344236 (cited by Labcorp Genetics (formerly Invitae), Labcorp); PubMed 32318955 (cited by Ambry Genetics).

NM_000465.4(BARD1):c.526C>T (p.Gln176Ter)

Gene: BARD1 (BRCA1 associated RING domain 1; minus strand). Cytogenetic location: 2q35.
Variant type: single nucleotide variant.
Coding change: c.526C>T on transcript NM_000465.4 (MANE Select); coding-DNA position 526, C replaced by T.
Protein change: p.Gln176Ter; replaces glutamine 176 with a stop codon.
Molecular consequence: nonsense. On other transcripts: non-coding transcript variant (2), intron variant (3).
Genome position (GRCh38, 1-based): chr2:214,781,348, G>A on the plus strand (C>T on the coding strand, the complement: BARD1 is on the minus strand). VCF-style: chr2-214781348-G-A. GRCh37 (hg19) VCF-style: chr2-215646072-G-A.
Other names: c.469C>T, p.Gln157Ter (NM_001282543.2); c.158+28064C>T (NM_001282548.2); c.215+15713C>T (NM_001282545.2); c.364+10949C>T (NM_001282549.2); short protein forms Q176*, Q157*.
Identifiers: ClinVar variation 406761 (VCV000406761.11), dbSNP rs776851287, ClinGen allele CA2090414.